The following is an entry in ClinVar:

ClinVar aggregate classification (germline): Likely benign (1 of 4 stars; one submission).

Allele frequency attached by ClinVar (database versions not stated): TOPMed 0.00001.
gnomAD v4.1: 2 of 1,211,682 alleles (0.00017%); no homozygotes.

Submission:

CeGaT Center for Human Genetics Tuebingen
Classification: Likely benign. Last evaluated: 2023-03-01. Review status: criteria provided, single submitter. Criteria: CeGaT Center For Human Genetics Tuebingen Variant Classification Criteria Version 2. Collection method: clinical testing. Allele origin: germline. Affected: yes. Observed: 1 variant allele.
Comment: TCEAL5: BP4, BP7

NM_001012979.3(TCEAL5):c.255A>G (p.Gln85=)

Gene: TCEAL5 (transcription elongation factor A like 5; minus strand). Cytogenetic location: Xq22.1.
Variant type: single nucleotide variant.
Coding change: c.255A>G on transcript NM_001012979.3 (MANE Select); coding-DNA position 255, A replaced by G.
Protein change: p.Gln85=; no amino-acid change (glutamine 85 retained).
Molecular consequence: synonymous variant.
Genome position (GRCh38, 1-based): chrX:103,274,309, T>C on the plus strand (A>G on the coding strand, the complement: TCEAL5 is on the minus strand). VCF-style: chrX-103274309-T-C. GRCh37 (hg19) VCF-style: chrX-102529237-T-C.
Identifiers: ClinVar variation 2661092 (VCV002661092.24), dbSNP rs1455176826, ClinGen allele CA518089157.